The following is an entry in ClinVar:

ClinVar aggregate classification (germline): Uncertain significance (1 of 4 stars; one submission).

Conditions:
Inborn genetic diseases. Identifiers: MedGen C0950123, MeSH D030342.

Submission:

Ambry Genetics
Classification: Uncertain significance for Inborn genetic diseases. Last evaluated: 2024-11-12. Review status: criteria provided, single submitter. Criteria: Ambry Variant Classification Scheme 2023. Collection method: clinical testing. Allele origin: germline.
Comment: The p.R27W variant (also known as c.79C>T), located in coding exon 2 of the EPAS1 gene, results from a C to T substitution at nucleotide position 79. The arginine at codon 27 is replaced by tryptophan, an amino acid with dissimilar properties. This amino acid position is conserved. In addition, this alteration is predicted to be deleterious by in silico analysis. Based on the available evidence, the clinical significance of this variant remains unclear.

NM_001430.5(EPAS1):c.79C>T (p.Arg27Trp)

Gene: EPAS1 (endothelial PAS domain protein 1; plus strand). Cytogenetic location: 2p21.
Variant type: single nucleotide variant.
Coding change: c.79C>T on transcript NM_001430.5 (MANE Select); coding-DNA position 79, C replaced by T.
Protein change: p.Arg27Trp; replaces arginine 27 with tryptophan.
Molecular consequence: missense variant.
Genome position (GRCh38, 1-based): chr2:46,346,925, C>T. VCF-style: chr2-46346925-C-T. GRCh37 (hg19) VCF-style: chr2-46574064-C-T.
Other names: short protein forms R27W.
Identifiers: ClinVar variation 3508923 (VCV003508923.1).
Genomic context (GRCh38, chr2:46,346,925, plus strand): 5'-CCACTTAGGAGTAGCTCGGAGAGGAGGAAGGAGAAGTCCCGGGATGCTGCGCGGTGCCGG[C>T]GGAGCAAGGAGACGGAGGTGTTCTATGAGCTGGCCCATGAGCTGCCTCTGCCCCACAGTG-3'
Protein context (NP_001421.2, residues 17-37): EKSRDAARCR[Arg27Trp]SKETEVFYEL